The following is an entry in ClinVar:

NM_003803.4(MYOM1):c.2576G>A (p.Gly859Glu)

Gene: MYOM1 (myomesin 1; minus strand). Cytogenetic location: 18p11.31.
Variant type: single nucleotide variant.
Coding change: c.2576G>A on transcript NM_003803.4 (MANE Select); coding-DNA position 2576, G replaced by A.
Protein change: p.Gly859Glu; replaces glycine 859 with glutamic acid.
Molecular consequence: missense variant. On other transcripts: intron variant (1).
Genome position (GRCh38, 1-based): chr18:3,129,450, C>T on the plus strand (G>A on the coding strand, the complement: MYOM1 is on the minus strand). VCF-style: chr18-3129450-C-T. GRCh37 (hg19) VCF-style: chr18-3129448-C-T.
Other names: c.2506+1925G>A (NM_019856.2); short protein forms G859E.
Identifiers: ClinVar variation 860606 (VCV000860606.10), dbSNP rs776749799, ClinGen allele CA8874577.
Genomic context (GRCh38, chr18:3,129,450, plus strand): 5'-GGTTTGCTGCCAAGCAAAGCATCTTTCTGGAAGGTTGGCGGGGAGGCTTCATGCACGCGC[C>T]CCCTGGAGGCGGTTAGTCCACCAGGCTCATCGCTCAGTGCGGGACACACATCTGGAGACA-3'
Protein context (NP_003794.3, residues 849-869): DEPGGLTASR[Gly859Glu]RVHEASPPTF

ClinVar aggregate classification (germline): Uncertain significance. Review status: criteria provided, multiple submitters, no conflicts (2 of 4 stars). 2 submissions from 2 submitters: Uncertain significance (2). Last evaluated 2024-03-07.

Conditions:
Hypertrophic cardiomyopathy. Also called: HYPERTROPHIC MYOCARDIOPATHY. Identifiers: Orphanet 217569, MedGen C0007194, MeSH D002312, MONDO:0005045, HP:0001639.

Allele frequency attached by ClinVar (database versions not stated): ExAC 0.00001; gnomAD 0.00001; gnomAD exomes 0.00001; TOPMed 0.00001.
gnomAD v4.1: 8 of 1,613,814 alleles (0.0005%); highest among the groups gnomAD compares: East Asian, 0.0045%; no homozygotes.

Submissions (2):

Ambry Genetics
Classification: Uncertain significance. Last evaluated: 2024-03-07. Review status: criteria provided, single submitter. Criteria: Ambry Variant Classification Scheme 2023. Collection method: clinical testing. Allele origin: germline.
Comment: The p.G859E variant (also known as c.2576G>A), located in coding exon 17 of the MYOM1 gene, results from a G to A substitution at nucleotide position 2576. The glycine at codon 859 is replaced by glutamic acid, an amino acid with similar properties. This amino acid position is conserved. In addition, this alteration is predicted to be tolerated by in silico analysis. Based on the available evidence, the clinical significance of this alteration remains unclear.

Labcorp Genetics (formerly Invitae), Labcorp
Classification: Uncertain significance for Hypertrophic cardiomyopathy. Last evaluated: 2023-02-01. Review status: criteria provided, single submitter. Criteria: Invitae Variant Classification Sherloc (09022015). Collection method: clinical testing. Allele origin: germline.
Comment: This variant is present in population databases (rs776749799, gnomAD 0.002%). In summary, the available evidence is currently insufficient to determine the role of this variant in disease. Therefore, it has been classified as a Variant of Uncertain Significance. Algorithms developed to predict the effect of missense changes on protein structure and function (SIFT, PolyPhen-2, Align-GVGD) all suggest that this variant is likely to be tolerated. ClinVar contains an entry for this variant (Variation ID: 860606). This variant has not been reported in the literature in individuals affected with MYOM1-related conditions. This sequence change replaces glycine, which is neutral and non-polar, with glutamic acid, which is acidic and polar, at codon 859 of the MYOM1 protein (p.Gly859Glu).